The following is an entry in ClinVar:

NM_003073.5(SMARCB1):c.73T>C (p.Phe25Leu)

Gene: SMARCB1 (SWI/SNF related BAF chromatin remodeling complex subunit B1; plus strand). Cytogenetic location: 22q11.23.
Variant type: single nucleotide variant.
Coding change: c.73T>C on transcript NM_003073.5 (MANE Select); coding-DNA position 73, T replaced by C.
Protein change: p.Phe25Leu; replaces phenylalanine 25 with leucine.
Molecular consequence: missense variant.
Genome position (GRCh38, 1-based): chr22:23,787,242, T>C. VCF-style: chr22-23787242-T-C. GRCh37 (hg19) VCF-style: chr22-24129429-T-C.
Other names: c.73T>C, p.Phe25Leu (NM_001007468.3, NM_001317946.2, NM_001362877.2); short protein forms F25L.
Identifiers: ClinVar variation 4836080 (VCV004836080.1).

ClinVar aggregate classification (germline): Uncertain significance (1 of 4 stars; one submission).

Conditions:
Hereditary cancer-predisposing syndrome. Also called: Neoplastic Syndromes, Hereditary; Tumor predisposition; Hereditary Cancer Syndrome; Hereditary neoplastic syndrome. Identifiers: Orphanet 140162, MedGen C0027672, MeSH D009386, MONDO:0015356.

gnomAD v4.1: 1 of 1,603,360 alleles (0.000062%); highest among the groups gnomAD compares: Non-Finnish European, 0.000085%; no homozygotes.

Submission:

Ambry Genetics
Classification: Uncertain significance for Hereditary cancer-predisposing syndrome. Last evaluated: 2026-01-29. Review status: criteria provided, single submitter. Criteria: Ambry Variant Classification Scheme 2023. Collection method: clinical testing. Allele origin: germline.
Comment: The p.F25L variant (also known as c.73T>C), located in coding exon 1 of the SMARCB1 gene, results from a T to C substitution at nucleotide position 73. The phenylalanine at codon 25 is replaced by leucine, an amino acid with highly similar properties. This amino acid position is well conserved in available vertebrate species. In addition, the in silico prediction for this alteration is inconclusive. Based on the available evidence, the clinical significance of this variant remains unclear.